The following is an entry in ClinVar:

NM_005548.3(KARS1):c.1590T>C (p.Asp530=)

Gene: KARS1 (lysyl-tRNA synthetase 1; minus strand). Cytogenetic location: 16q23.1.
Variant type: single nucleotide variant.
Coding change: c.1590T>C on transcript NM_005548.3 (MANE Select); coding-DNA position 1590, T replaced by C.
Protein change: p.Asp530=; no amino-acid change (aspartic acid 530 retained).
Molecular consequence: synonymous variant.
Genome position (GRCh38, 1-based): chr16:75,628,674, A>G on the plus strand (T>C on the coding strand, the complement: KARS1 is on the minus strand). VCF-style: chr16-75628674-A-G. GRCh37 (hg19) VCF-style: chr16-75662572-A-G.
Other names: c.1674T>C, p.Asp558= (NM_001130089.2); c.1122T>C, p.Asp374= (NM_001378148.1).
Identifiers: ClinVar variation 3039806 (VCV003039806.2), dbSNP rs1453123471, ClinGen allele CA496580881.

ClinVar aggregate classification (germline): Likely benign (0 of 4 stars; one submission).

Conditions:
KARS1-related disorder. Also called: KARS1-related disorders.

gnomAD v4.1: 29 of 1,614,098 alleles (0.0018%); highest among the groups gnomAD compares: Non-Finnish European, 0.0024%; no homozygotes.

Submission:

PreventionGenetics, part of Exact Sciences
Classification: Likely benign for KARS1-related condition. Last evaluated: 2019-10-28. Review status: no assertion criteria provided. Collection method: clinical testing. Allele origin: germline.
Comment: This variant is classified as likely benign based on ACMG/AMP sequence variant interpretation guidelines (Richards et al. 2015 PMID: 25741868, with internal and published modifications).